The following is an entry in ClinVar:

ClinVar aggregate classification (germline): Uncertain significance (1 of 4 stars; one submission).

Allele frequency attached by ClinVar (database versions not stated): gnomAD exomes below 0.00001.
gnomAD v4.1: 1 of 1,614,028 alleles (0.000062%); highest among the groups gnomAD compares: Non-Finnish European, 0.000085%; no homozygotes.

Submission:

Labcorp Genetics (formerly Invitae), Labcorp
Classification: Uncertain significance. Last evaluated: 2022-06-20. Review status: criteria provided, single submitter. Criteria: Invitae Variant Classification Sherloc (09022015). Collection method: clinical testing. Allele origin: germline.
Comment: This sequence change replaces glutamic acid, which is acidic and polar, with lysine, which is basic and polar, at codon 59 of the ADIPOR1 protein (p.Glu59Lys). This variant is not present in population databases (gnomAD no frequency). This variant has not been reported in the literature in individuals affected with ADIPOR1-related conditions. Algorithms developed to predict the effect of missense changes on protein structure and function (SIFT, PolyPhen-2, Align-GVGD) all suggest that this variant is likely to be tolerated. In summary, the available evidence is currently insufficient to determine the role of this variant in disease. Therefore, it has been classified as a Variant of Uncertain Significance.

NM_015999.6(ADIPOR1):c.175G>A (p.Glu59Lys)

Gene: ADIPOR1 (adiponectin receptor 1; minus strand). Cytogenetic location: 1q32.1.
Variant type: single nucleotide variant.
Coding change: c.175G>A on transcript NM_015999.6 (MANE Select); coding-DNA position 175, G replaced by A.
Protein change: p.Glu59Lys; replaces glutamic acid 59 with lysine.
Molecular consequence: missense variant.
Genome position (GRCh38, 1-based): chr1:202,948,387, C>T on the plus strand (G>A on the coding strand, the complement: ADIPOR1 is on the minus strand). VCF-style: chr1-202948387-C-T. GRCh37 (hg19) VCF-style: chr1-202917515-C-T.
Other names: c.175G>A, p.Glu59Lys (NM_001290553.2, NM_001290557.1, NM_001290629.1); short protein forms E59K.
Identifiers: ClinVar variation 1366543 (VCV001366543.8), dbSNP rs2102488071, ClinGen allele CA344283679.